The following is an entry in ClinVar:

ClinVar aggregate classification (germline): Pathogenic/Likely pathogenic. Review status: criteria provided, multiple submitters, no conflicts (2 of 4 stars). 5 submissions from 5 submitters: Pathogenic (3); Likely pathogenic (1). 1 of the submissions does not count toward it. Last evaluated 2025-06-16.

Conditions:
Proximal myopathy with extrapyramidal signs. Also called: Myopathy with extrapyramidal signs. Identifiers: Orphanet 401768, MedGen C3810285, MONDO:0014300, OMIM 615673.

Allele frequency attached by ClinVar (database versions not stated): gnomAD exomes below 0.00001 and 0.00001; TOPMed 0.00002; ESP Exome Variant Server 0.00008; gnomAD 0.00005 and 0.00004; ExAC 0.00001.
gnomAD v4.1: 12 of 1,611,036 alleles (0.00074%); highest among the groups gnomAD compares: Non-Finnish European, 0.001%; no homozygotes.

Submissions (5):

Variantyx, Inc.
Classification: Pathogenic for Proximal myopathy with extrapyramidal signs. Last evaluated: 2025-06-16. Review status: criteria provided, single submitter. Criteria: Variantyx Assertion Criteria 2022. Collection method: clinical testing. Allele origin: germline. Inheritance: Autosomal recessive inheritance.
Comment: This is a canonical splicing variant in the MICU1 gene (OMIM: 605084). Pathogenic variants in this gene have been associated with autosomal recessive myopathy with extrapyramidal signs. This variant has been reported in the compound heterozygous state in at least one affected individual (PMID: 32395406) (PM3). It has a 0.0010% maximum allele frequency in non-founder control populations (PM2). Based on the current evidence, this variant is classified as pathogenic for autosomal recessive myopathy with extrapyramidal signs.

Labcorp Genetics (formerly Invitae), Labcorp
Classification: Pathogenic. Last evaluated: 2024-03-21. Review status: criteria provided, single submitter. Criteria: Invitae Variant Classification Sherloc (09022015). Collection method: clinical testing. Allele origin: germline.
Comment: This sequence change affects a donor splice site in intron 2 of the MICU1 gene. It is expected to disrupt RNA splicing. Variants that disrupt the donor or acceptor splice site typically lead to a loss of protein function (PMID: 16199547), and loss-of-function variants in MICU1 are known to be pathogenic (PMID: 24336167). This variant is present in population databases (rs375502236, gnomAD 0.002%). Disruption of this splice site has been observed in individual(s) with myopathy with extrapyramidal signs (PMID: 32395406). In at least one individual the data is consistent with being in trans (on the opposite chromosome) from a pathogenic variant. ClinVar contains an entry for this variant (Variation ID: 992285). Algorithms developed to predict the effect of sequence changes on RNA splicing suggest that this variant may disrupt the consensus splice site. For these reasons, this variant has been classified as Pathogenic.

GeneDx
Classification: Pathogenic. Last evaluated: 2022-11-11. Review status: criteria provided, single submitter. Criteria: GeneDx Variant Classification Process June 2021. Collection method: clinical testing. Allele origin: germline. Affected: yes.
Comment: Canonical splice site variant in a gene for which loss-of-function is a known mechanism of disease; Not observed at a significant frequency in large population cohorts (gnomAD); This variant is associated with the following publications: (PMID: 32395406, 33144682, 27535533)

Greenwood Genetic Center Diagnostic Laboratories, Greenwood Genetic Center
Classification: Likely pathogenic. Last evaluated: 2020-08-11. Review status: criteria provided, single submitter. Criteria: ACMG Guidelines, 2015. Collection method: clinical testing. Allele origin: germline. Affected: yes.

OMIM
Classification: Pathogenic for MYOPATHY WITH EXTRAPYRAMIDAL SIGNS. Last evaluated: 2021-06-24. Review status: no assertion criteria provided. Collection method: literature only. Allele origin: germline. Not counted in ClinVar's aggregate classification.

Literature cited by the submitters: PubMed 32395406 (cited by 3 submitters); PubMed 16199547 (cited by Labcorp Genetics (formerly Invitae), Labcorp); PubMed 24336167 (cited by Labcorp Genetics (formerly Invitae), Labcorp).

NM_001195518.2(MICU1):c.161+1G>A

Gene: MICU1 (mitochondrial calcium uptake 1; minus strand). Cytogenetic location: 10q22.1.
Variant type: single nucleotide variant.
Coding change: c.161+1G>A on transcript NM_001195518.2 (MANE Select); the canonical splice donor site of the intron after coding-DNA position 161, G replaced by A.
Molecular consequence: splice donor variant.
Genome position (GRCh38, 1-based): chr10:72,566,632, C>T on the plus strand (G>A on the coding strand, the complement: MICU1 is on the minus strand). VCF-style: chr10-72566632-C-T. GRCh37 (hg19) VCF-style: chr10-74326390-C-T.
Other names: IVS2DS, G-A, +1; c.161+1G>A (NM_006077.4, NM_001363513.2).
Identifiers: ClinVar variation 992285 (VCV000992285.11), dbSNP rs375502236, ClinGen allele CA5550347.